The following is an entry in ClinVar:

NM_006231.4(POLE):c.4268T>G (p.Ile1423Ser)

Gene: POLE (DNA polymerase epsilon, catalytic subunit; minus strand). Cytogenetic location: 12q24.33.
Variant type: single nucleotide variant.
Coding change: c.4268T>G on transcript NM_006231.4 (MANE Select); coding-DNA position 4268, T replaced by G.
Protein change: p.Ile1423Ser; replaces isoleucine 1423 with serine.
Molecular consequence: missense variant.
Genome position (GRCh38, 1-based): chr12:132,643,859, A>C on the plus strand (T>G on the coding strand, the complement: POLE is on the minus strand). VCF-style: chr12-132643859-A-C. GRCh37 (hg19) VCF-style: chr12-133220445-A-C.
Other names: short protein forms I1423S.
Identifiers: ClinVar variation 4763501 (VCV004763501.1).

ClinVar aggregate classification (germline): Uncertain significance (1 of 4 stars; one submission).

Submission:

Labcorp Genetics (formerly Invitae), Labcorp
Classification: Uncertain significance. Last evaluated: 2025-02-03. Review status: criteria provided, single submitter. Criteria: Invitae Variant Classification Sherloc (09022015). Collection method: clinical testing. Allele origin: germline.
Comment: This sequence change replaces isoleucine, which is neutral and non-polar, with serine, which is neutral and polar, at codon 1423 of the POLE protein (p.Ile1423Ser). This variant is not present in population databases (gnomAD no frequency). This variant has not been reported in the literature in individuals affected with POLE-related conditions. Invitae Evidence Modeling of protein sequence and biophysical properties (such as structural, functional, and spatial information, amino acid conservation, physicochemical variation, residue mobility, and thermodynamic stability) indicates that this missense variant is expected to disrupt POLE protein function with a positive predictive value of 80%. In summary, the available evidence is currently insufficient to determine the role of this variant in disease. Therefore, it has been classified as a Variant of Uncertain Significance.